The following is an entry in ClinVar:

ClinVar aggregate classification (germline): Uncertain significance (1 of 4 stars; one submission).

Conditions:
Alexander disease (ALXDRD). Also called: Alexander's disease. Identifiers: Orphanet 58, MedGen C0270726, MONDO:0008752, OMIM 203450.

gnomAD v4.1: 2 of 1,614,208 alleles (0.00012%); highest among the groups gnomAD compares: Non-Finnish European, 0.00017%; no homozygotes.

Submission:

3billion
Classification: Uncertain significance for Alexander disease. Last evaluated: 2025-10-30. Review status: criteria provided, single submitter. Criteria: ACMG Guidelines, 2015. Collection method: clinical testing. Allele origin: germline. Affected: yes.
Comment: The variant is observed at an extremely low frequency in the gnomAD v4.1.0 dataset (total allele frequency: <0.001%). Predicted Consequence/Location: Missense variant. Missense changes are a common disease-causing mechanism. In silico tool predictions suggest damaging effect of the variant on gene or gene product [3Cnet: 0.83 (> 0.75, sensitivity 0.96 and precision 0.92)]. A different missense change at the same codon (p.Ala253Gly) has been reported as pathogenic/likely pathogenic with strong evidence (ClinVar ID: VCV000066502 /PMID: 15732097). Therefore, this variant is classified as VUS according to the recommendation of ACMG/AMP guideline.

Literature cited by the submitters: PubMed 15732097.

NM_002055.5(GFAP):c.757G>A (p.Ala253Thr)

Gene: GFAP (glial fibrillary acidic protein; minus strand). Cytogenetic location: 17q21.31.
Variant type: single nucleotide variant.
Coding change: c.757G>A on transcript NM_002055.5 (MANE Select); coding-DNA position 757, G replaced by A.
Protein change: p.Ala253Thr; replaces alanine 253 with threonine.
Molecular consequence: missense variant.
Genome position (GRCh38, 1-based): chr17:44,913,292, C>T on the plus strand (G>A on the coding strand, the complement: GFAP is on the minus strand). VCF-style: chr17-44913292-C-T. GRCh37 (hg19) VCF-style: chr17-42990660-C-T.
Other names: c.757G>A, p.Ala253Thr (NM_001131019.3, NM_001242376.3, NM_001363846.2); short protein forms A253T.
Identifiers: ClinVar variation 4856168 (VCV004856168.1).